The following is an entry in ClinVar:

ClinVar aggregate classification (germline): Likely benign (1 of 4 stars; one submission).

Allele frequency attached by ClinVar (database versions not stated): ExAC 0.00042; gnomAD 0.00048; TOPMed 0.00049; 1000 Genomes Project 0.00053; 1000 Genomes Project 30x 0.00062; gnomAD exomes 0.00063; ESP Exome Variant Server 0.00076.
gnomAD v4.1: 748 of 1,198,742 alleles (0.062%); highest among the groups gnomAD compares: Non-Finnish European, 0.074%; no homozygotes.

Submission:

CeGaT Center for Human Genetics Tuebingen
Classification: Likely benign. Last evaluated: 2022-04-01. Review status: criteria provided, single submitter. Criteria: CeGaT Center For Human Genetics Tuebingen Variant Classification Criteria Version 2. Collection method: clinical testing. Allele origin: germline. Affected: yes. Observed: 1 variant allele.
Comment: SLC6A14: BP4, BP7

NM_007231.5(SLC6A14):c.795A>G (p.Val265=)

Gene: SLC6A14 (solute carrier family 6 member 14; plus strand). Cytogenetic location: Xq23.
Variant type: single nucleotide variant.
Coding change: c.795A>G on transcript NM_007231.5 (MANE Select); coding-DNA position 795, A replaced by G.
Protein change: p.Val265=; no amino-acid change (valine 265 retained).
Molecular consequence: synonymous variant.
Genome position (GRCh38, 1-based): chrX:116,446,746, A>G. VCF-style: chrX-116446746-A-G. GRCh37 (hg19) VCF-style: chrX-115577912-A-G.
Identifiers: ClinVar variation 2661254 (VCV002661254.24), dbSNP rs148880631, ClinGen allele CA10497518.
Genomic context (GRCh38, chrX:116,446,746, plus strand): 5'-TATACACCATGATTTTAAAAATAATTTACTAATTTTTGGTTACTTTTCTTGGTAGGTGGT[A>G]TATTTTACAGCTCTTTTCCCCTATGTGGTCCTACTCATCCTGTTAGTACGAGGTGCAACT-3'
Protein context (NP_009162.1, residues 255-275): FKGIKSSGKV[Val265=]YFTALFPYVV